The following is an entry in ClinVar:

ClinVar aggregate classification (germline): Uncertain significance. Review status: criteria provided, multiple submitters, no conflicts (2 of 4 stars). 2 submissions from 2 submitters: Uncertain significance (2). Last evaluated 2025-07-02.

Conditions:
Inborn genetic diseases. Identifiers: MedGen C0950123, MeSH D030342.
Alpha thalassemia-X-linked intellectual disability syndrome (ATRX). Also called: ALPHA-THALASSEMIA/MENTAL RETARDATION SYNDROME, X-LINKED; ATR, NONDELETION TYPE; ATR-X syndrome; Alpha thalassemia mental retardation syndrome, nondeletion type, X-linked; XLMR hypotonic face syndrome; X-linked alpha-thalassemia-mental retardation syndrome. Identifiers: Orphanet 847, MedGen C1845055, MONDO:0010519, OMIM 301040.

Submissions (2):

Ambry Genetics
Classification: Uncertain significance for Inborn genetic diseases. Last evaluated: 2025-07-02. Review status: criteria provided, single submitter. Criteria: Ambry Variant Classification Scheme 2023. Collection method: clinical testing. Allele origin: germline.

Labcorp Genetics (formerly Invitae), Labcorp
Classification: Uncertain significance for Alpha thalassemia-X-linked intellectual disability syndrome. Last evaluated: 2022-03-23. Review status: criteria provided, single submitter. Criteria: Invitae Variant Classification Sherloc (09022015). Collection method: clinical testing. Allele origin: germline.
Comment: This sequence change replaces lysine, which is basic and polar, with arginine, which is basic and polar, at codon 2225 of the ATRX protein (p.Lys2225Arg). In summary, the available evidence is currently insufficient to determine the role of this variant in disease. Therefore, it has been classified as a Variant of Uncertain Significance. Algorithms developed to predict the effect of missense changes on protein structure and function are either unavailable or do not agree on the potential impact of this missense change (SIFT: "Deleterious"; PolyPhen-2: "Benign"; Align-GVGD: "Class C0"). ClinVar contains an entry for this variant (Variation ID: 941934). This variant has not been reported in the literature in individuals affected with ATRX-related conditions. This variant is not present in population databases (gnomAD no frequency).

NM_000489.6(ATRX):c.6674A>G (p.Lys2225Arg)

Gene: ATRX (ATRX chromatin remodeler; minus strand). Cytogenetic location: Xq21.1.
Variant type: single nucleotide variant.
Coding change: c.6674A>G on transcript NM_000489.6 (MANE Select); coding-DNA position 6674, A replaced by G.
Protein change: p.Lys2225Arg; replaces lysine 2225 with arginine.
Molecular consequence: missense variant.
Genome position (GRCh38, 1-based): chrX:77,557,476, T>C on the plus strand (A>G on the coding strand, the complement: ATRX is on the minus strand). VCF-style: chrX-77557476-T-C. GRCh37 (hg19) VCF-style: chrX-76812947-T-C.
Other names: c.6560A>G, p.Lys2187Arg (NM_138270.5); c.6674A>G (NM_000489.3); short protein forms K2187R, K2225R.
Identifiers: ClinVar variation 941934 (VCV000941934.9), dbSNP rs2064848419, ClinGen allele CA413698533.